The following is an entry in ClinVar:

ClinVar aggregate classification (germline): Pathogenic (1 of 4 stars; one submission).

Conditions:
Hereditary cancer-predisposing syndrome. Also called: Hereditary neoplastic syndrome; Neoplastic Syndromes, Hereditary; Tumor predisposition; Hereditary Cancer Syndrome. Identifiers: Orphanet 140162, MedGen C0027672, MeSH D009386, MONDO:0015356.

Submission:

Ambry Genetics
Classification: Pathogenic for Hereditary cancer-predisposing syndrome. Last evaluated: 2025-07-01. Review status: criteria provided, single submitter. Criteria: Ambry Variant Classification Scheme 2023. Collection method: clinical testing. Allele origin: germline.
Comment: The c.412_421del10 pathogenic mutation, located in coding exon 3 of the RAD51C gene, results from a deletion of 10 nucleotides at nucleotide positions 412 to 421, causing a translational frameshift with a predicted alternate stop codon (p.L138Mfs*30). This variant is considered to be rare based on population cohorts in the Genome Aggregation Database (gnomAD). This alteration is expected to result in loss of function by premature protein truncation or nonsense-mediated mRNA decay. As such, this alteration is interpreted as a disease-causing mutation.

NM_058216.3(RAD51C):c.412_421del (p.Leu138fs)

Gene: RAD51C (RAD51 paralog C; plus strand). Cytogenetic location: 17q22.
Variant type: Deletion.
Coding change: c.412_421del on transcript NM_058216.3 (MANE Select); coding-DNA positions 412 to 421, 10 bases deleted (TTGGCAGTAG; older notation c.412_421delTTGGCAGTAG).
Protein change: p.Leu138fs; shifts the reading frame from leucine 138.
Molecular consequence: frameshift variant.
Genome position (GRCh38, 1-based): chr17:58,696,700-58,696,709, TTGGCAGTAG deleted; deleting any 10 consecutive bases within chr17:58,696,698-58,696,709 gives the same sequence; the c. name uses the placement nearest the transcript's 3' end. VCF-style (leftmost placement, unchanged base first): chr17-58696697-CAGTTGGCAGT-C. GRCh37 (hg19) VCF-style: chr17-56774058-CAGTTGGCAGT-C.
Other names: c.412_421del10 (NM_058216.1); short protein forms L138fs.
Identifiers: ClinVar variation 4149884 (VCV004149884.1).